The following is an entry in ClinVar:

NM_000492.4(CFTR):c.933C>G (p.Phe311Leu)

Gene: CFTR (CF transmembrane conductance regulator; plus strand). Cytogenetic location: 7q31.2.
Variant type: single nucleotide variant.
Coding change: c.933C>G on transcript NM_000492.4 (MANE Select); coding-DNA position 933, C replaced by G.
Protein change: p.Phe311Leu; replaces phenylalanine 311 with leucine.
Molecular consequence: missense variant.
Genome position (GRCh38, 1-based): chr7:117,540,163, C>G. VCF-style: chr7-117540163-C-G. GRCh37 (hg19) VCF-style: chr7-117180217-C-G.
Other names: short protein forms F311L.
Identifiers: ClinVar variation 7153 (VCV000007153.17), dbSNP rs121909016, ClinGen allele CA325549.

ClinVar aggregate classification (germline): Pathogenic. Review status: reviewed by expert panel (3 of 4 stars). 8 submissions from 8 submitters: Pathogenic (1). 7 of the submissions do not count toward it. Last evaluated 2017-12-08.

Conditions:
Bronchiectasis with or without elevated sweat chloride 1 (BESC1). Also called: Cystic Fibrosis-Like Syndrome. Identifiers: Orphanet 60033, MedGen C2749757, MONDO:0008887, OMIM 211400.
CFTR-related disorder (CFTR-RD). Also called: CFTR-related disorders; CFTR-related condition. Identifiers: MedGen C5924204, MONDO:7770004.
Cystic fibrosis (CF). Also called: MUCOVISCIDOSIS. Identifiers: Orphanet 586, MedGen C0010674, MONDO:0009061, OMIM 219700. Disease mechanism: loss of function.
Obstructive azoospermia. Identifiers: MedGen C4023106, HP:0011962.

Allele frequency attached by ClinVar (database versions not stated): gnomAD exomes below 0.00001.
gnomAD v4.1: 1 of 1,613,870 alleles (0.000062%); highest among the groups gnomAD compares: Non-Finnish European, 0.000085%; no homozygotes.

Submissions (8):

CFTR2
Classification: Pathogenic for Cystic fibrosis. Last evaluated: 2017-12-08. Review status: reviewed by expert panel. Criteria: Sosnay PR et al. (Nat Genet 2013). Collection method: research. Allele origin: germline. Affected: yes.

Natera, Inc.
Classification: Pathogenic for CFTR-related disorders. Last evaluated: 2025-06-16. Review status: criteria provided, single submitter. Criteria: Natera Variant Classification Schema (03/2026). Collection method: clinical testing. Allele origin: germline. Not counted in ClinVar's aggregate classification.
Comment: The c.933C>G variant in CFTR is a missense variant predicted to cause substitution of phenylalanine to leucine at amino acid 311. This variant is rare in the general population with a frequency below the threshold expected for the associated phenotype(s). This variant has been observed in one or more individuals affected with the associated recessive disease, as either homozygous or compound heterozygous with a second variant (PMID: 7539342, 19459534). Computational prediction algorithms indicate this variant is likely to affect gene or protein function. Given the available evidence, this variant is classified as Pathogenic.

Women's Health and Genetics/Laboratory Corporation of America, LabCorp
Classification: Pathogenic for Cystic fibrosis. Last evaluated: 2025-03-25. Review status: criteria provided, single submitter. Criteria: LabCorp Variant Classification Summary - May 2015. Collection method: clinical testing. Allele origin: germline. Not counted in ClinVar's aggregate classification.
Comment: Variant summary: CFTR c.933C>G (p.Phe311Leu) results in a non-conservative amino acid change in the encoded protein sequence. Four of four in-silico tools predict a damaging effect of the variant on protein function. The variant was absent in 251140 control chromosomes (gnomAD). c.933C>G has been reported in the literature in multiple individuals affected with Cystic Fibrosis (e.g. Fichou_2008, McCague_2019). These data indicate that the variant is very likely to be associated with disease. At least one publication reports experimental evidence evaluating an impact on protein function. The most pronounced variant effect resulted in approximately 16.8% of normal chloride channel conductance relative to wild type (Bihler_2024). The following publications have been ascertained in the context of this evaluation (PMID: 30888834, 38388235, 17825628). ClinVar contains an entry for this variant (Variation ID: 7153). Based on the evidence outlined above, the variant was classified as pathogenic.

Baylor Genetics
Classification: Likely pathogenic for Bronchiectasis with or without elevated sweat chloride 1. Last evaluated: 2023-08-09. Review status: criteria provided, single submitter. Criteria: ACMG Guidelines, 2015. Collection method: clinical testing. Allele origin: unknown. Not counted in ClinVar's aggregate classification.

Institute of Reproductive Genetics, University of Münster
Classification: Pathogenic for Obstructive azoospermia. Last evaluated: 2021-08-23. Review status: criteria provided, single submitter. Criteria: ACMG Guidelines, 2015. Collection method: clinical testing. Allele origin: germline. Affected: yes. Observed: 1 variant allele. Not counted in ClinVar's aggregate classification.

Labcorp Genetics (formerly Invitae), Labcorp
Classification: Pathogenic for Cystic fibrosis. Last evaluated: 2019-05-16. Review status: criteria provided, single submitter. Criteria: Invitae Variant Classification Sherloc (09022015). Collection method: clinical testing. Allele origin: germline. Not counted in ClinVar's aggregate classification.
Comment: This variant has been observed in several individuals affected with cystic fibrosis (PMID: 1284639, 9459534, 7539342, 24586523). ClinVar contains an entry for this variant (Variation ID: 7153). This sequence change replaces phenylalanine with leucine at codon 311 of the CFTR protein (p.Phe311Leu). The phenylalanine residue is highly conserved and there is a small physicochemical difference between phenylalanine and leucine. This variant is not present in population databases (ExAC no frequency). This variant has been reported to affect CFTR protein function (PMID: 29805046, 30046002). For these reasons, this variant has been classified as Pathogenic.

Ambry Genetics
Classification: Pathogenic for Cystic fibrosis. Last evaluated: 2015-04-30. Review status: criteria provided, single submitter. Criteria: Ambry Variant Classification Scheme 2023. Collection method: clinical testing. Allele origin: germline. Not counted in ClinVar's aggregate classification.
Comment: The p.F311L pathogenic mutation (also known as c.933C>G), located in coding exon 8 of the CFTR gene, results from a C to G substitution at nucleotide position 933. The phenylalanine at codon 311 is replaced by leucine, an amino acid with highly similar properties. This mutation has been reported in multiple studies in patients who have classic CF symptoms and elevated sweat chloride levels along with a second pathogenic mutation (Ferec et al. Nat Genet.1992;1(3):188-191, Jezequel et al. Clin Chem. 1995;41(6Pt1):833-5, Scotet et al. Hum Mutat.2003;22(1):105). Another study reported a patient with chronic pancreatitis who had this mutation in cis with p.V754M and deltaF508 on the other chromosome (Niel et al. Hum Mutat. 2006;27(7):716-7). Based on the supporting evidence, p.F311L is interpreted as a disease-causing mutation.

OMIM
Classification: Pathogenic for CYSTIC FIBROSIS. Last evaluated: 1992-06-01. Review status: no assertion criteria provided. Collection method: literature only. Allele origin: germline. Not counted in ClinVar's aggregate classification.

Literature cited by the submitters: PubMed 7539342 (cited by Natera, Inc. and Labcorp Genetics (formerly Invitae), Labcorp); PubMed 19459534 (cited by Natera, Inc.); PubMed 17825628 (cited by Women's Health and Genetics/Laboratory Corporation of America, LabCorp); PubMed 30888834 (cited by Women's Health and Genetics/Laboratory Corporation of America, LabCorp); PubMed 38388235 (cited by Women's Health and Genetics/Laboratory Corporation of America, LabCorp); PubMed 1284639 (cited by Labcorp Genetics (formerly Invitae), Labcorp and OMIM); PubMed 9459534 (cited by Labcorp Genetics (formerly Invitae), Labcorp); PubMed 24586523 (cited by Labcorp Genetics (formerly Invitae), Labcorp); PubMed 29805046 (cited by Labcorp Genetics (formerly Invitae), Labcorp); PubMed 30046002 (cited by Labcorp Genetics (formerly Invitae), Labcorp).